The following is an entry in ClinVar:

NM_013352.4(DSE):c.2072A>G (p.Lys691Arg)

Gene: DSE (dermatan sulfate epimerase; plus strand). Cytogenetic location: 6q22.1.
Variant type: single nucleotide variant.
Coding change: c.2072A>G on transcript NM_013352.4 (MANE Select); coding-DNA position 2072, A replaced by G.
Protein change: p.Lys691Arg; replaces lysine 691 with arginine.
Molecular consequence: missense variant. On other transcripts: 3 prime UTR variant (2), non-coding transcript variant (1).
Genome position (GRCh38, 1-based): chr6:116,436,540, A>G. VCF-style: chr6-116436540-A-G. GRCh37 (hg19) VCF-style: chr6-116757703-A-G.
Other names: c.2072A>G, p.Lys691Arg (NM_001080976.3, NM_001322937.2, NM_001322938.2); c.2129A>G, p.Lys710Arg (NM_001322939.2); c.1511A>G, p.Lys504Arg (NM_001322940.2, NM_001322941.2); c.*937A>G (NM_001322943.2, NM_001322944.2); c.1073A>G, p.Lys358Arg (NM_001374520.1); c.1037A>G, p.Lys346Arg (NM_001374521.1); short protein forms K710R, K358R, K504R, K691R, K346R.
Identifiers: ClinVar variation 2046063 (VCV002046063.6), dbSNP rs148121424, ClinGen allele CA3969756.

ClinVar aggregate classification (germline): Uncertain significance. Review status: criteria provided, multiple submitters, no conflicts (2 of 4 stars). 2 submissions from 2 submitters: Uncertain significance (2). Last evaluated 2025-02-05.

Conditions:
Ehlers-Danlos syndrome, musculocontractural type 2 (EDSMC2). Identifiers: Orphanet 2953, MedGen C3809845, MONDO:0014236, OMIM 615539.
Inborn genetic diseases. Identifiers: MedGen C0950123, MeSH D030342.

Allele frequency attached by ClinVar (database versions not stated): gnomAD exomes 0.00001; ExAC 0.00004; TOPMed 0.00008; 1000 Genomes Project 0.00020; gnomAD 0.00005; ESP Exome Variant Server 0.00015; 1000 Genomes Project 30x 0.00016.
gnomAD v4.1: 18 of 1,614,140 alleles (0.0011%); highest among the groups gnomAD compares: African/African-American, 0.023%; no homozygotes.

Submissions (2):

Ambry Genetics
Classification: Uncertain significance for Inborn genetic diseases. Last evaluated: 2025-02-05. Review status: criteria provided, single submitter. Criteria: Ambry Variant Classification Scheme 2023. Collection method: clinical testing. Allele origin: germline.

Labcorp Genetics (formerly Invitae), Labcorp
Classification: Uncertain significance for Ehlers-Danlos syndrome, musculocontractural type 2. Last evaluated: 2022-10-25. Review status: criteria provided, single submitter. Criteria: Invitae Variant Classification Sherloc (09022015). Collection method: clinical testing. Allele origin: germline.
Comment: This variant is present in population databases (rs148121424, gnomAD 0.03%). This sequence change replaces lysine, which is basic and polar, with arginine, which is basic and polar, at codon 691 of the DSE protein (p.Lys691Arg). This variant has not been reported in the literature in individuals affected with DSE-related conditions. In summary, the available evidence is currently insufficient to determine the role of this variant in disease. Therefore, it has been classified as a Variant of Uncertain Significance. Advanced modeling of protein sequence and biophysical properties (such as structural, functional, and spatial information, amino acid conservation, physicochemical variation, residue mobility, and thermodynamic stability) performed at Invitae indicates that this missense variant is not expected to disrupt DSE protein function.